The following is an entry in ClinVar:

ClinVar aggregate classification (germline): Uncertain significance. Review status: criteria provided, multiple submitters, no conflicts (2 of 4 stars). 3 submissions from 3 submitters: Uncertain significance (3). Last evaluated 2024-10-15.

Conditions:
Kabuki syndrome. Also called: Kabuki make-up syndrome; NIIKAWA-KUROKI SYNDROME. Identifiers: Orphanet 2322, MedGen C0796004, MONDO:0016512.
Inborn genetic diseases. Identifiers: MedGen C0950123, MeSH D030342.

Allele frequency attached by ClinVar (database versions not stated): gnomAD 0.00001; TOPMed 0.00001; gnomAD exomes 0.00002.
gnomAD v4.1: 35 of 1,604,432 alleles (0.0022%); highest among the groups gnomAD compares: Non-Finnish European, 0.0029%; no homozygotes.

Submissions (3):

Labcorp Genetics (formerly Invitae), Labcorp
Classification: Uncertain significance for Kabuki syndrome. Last evaluated: 2024-10-15. Review status: criteria provided, single submitter. Criteria: Invitae Variant Classification Sherloc (09022015). Collection method: clinical testing. Allele origin: germline.
Comment: This sequence change replaces leucine, which is neutral and non-polar, with arginine, which is basic and polar, at codon 3317 of the KMT2D protein (p.Leu3317Arg). This variant is not present in population databases (gnomAD no frequency). This variant has not been reported in the literature in individuals affected with KMT2D-related conditions. This missense change has been observed in at least one individual who was not affected with KMT2D-related conditions (internal data). ClinVar contains an entry for this variant (Variation ID: 2063561). Invitae Evidence Modeling of protein sequence and biophysical properties (such as structural, functional, and spatial information, amino acid conservation, physicochemical variation, residue mobility, and thermodynamic stability) has been performed for this missense variant. However, the output from this modeling did not meet the statistical confidence thresholds required to predict the impact of this variant on KMT2D protein function. In summary, the available evidence is currently insufficient to determine the role of this variant in disease. Therefore, it has been classified as a Variant of Uncertain Significance.

Ambry Genetics
Classification: Uncertain significance for Inborn genetic diseases. Last evaluated: 2023-03-01. Review status: criteria provided, single submitter. Criteria: Ambry Variant Classification Scheme 2023. Collection method: clinical testing. Allele origin: germline.

Revvity Omics, Revvity
Classification: Uncertain significance. Last evaluated: 2022-03-30. Review status: criteria provided, single submitter. Criteria: ACMG Guidelines, 2015. Collection method: clinical testing. Allele origin: germline.

NM_003482.4(KMT2D):c.9950T>G (p.Leu3317Arg)

Gene: KMT2D (lysine methyltransferase 2D; minus strand). Cytogenetic location: 12q13.12.
Variant type: single nucleotide variant.
Coding change: c.9950T>G on transcript NM_003482.4 (MANE Select); coding-DNA position 9950, T replaced by G.
Protein change: p.Leu3317Arg; replaces leucine 3317 with arginine.
Molecular consequence: missense variant.
Genome position (GRCh38, 1-based): chr12:49,037,406, A>C on the plus strand (T>G on the coding strand, the complement: KMT2D is on the minus strand). VCF-style: chr12-49037406-A-C. GRCh37 (hg19) VCF-style: chr12-49431189-A-C.
Other names: short protein forms L3317R.
Identifiers: ClinVar variation 2063561 (VCV002063561.9), dbSNP rs1458256405, ClinGen allele CA384733543.